The following is an entry in ClinVar:

ClinVar aggregate classification (germline): Uncertain significance (1 of 4 stars; one submission).

Conditions:
Hereditary nonpolyposis colorectal neoplasms. Identifiers: MedGen C0009405, MeSH D003123.

Submission:

Labcorp Genetics (formerly Invitae), Labcorp
Classification: Uncertain significance for Hereditary nonpolyposis colorectal neoplasms. Last evaluated: 2019-09-27. Review status: criteria provided, single submitter. Criteria: Invitae Variant Classification Sherloc (09022015). Collection method: clinical testing. Allele origin: germline.
Comment: In summary, the available evidence is currently insufficient to determine the role of this variant in disease. Therefore, it has been classified as a Variant of Uncertain Significance. Algorithms developed to predict the effect of missense changes on protein structure and function (SIFT, PolyPhen-2, Align-GVGD) all suggest that this variant is likely to be disruptive, but these predictions have not been confirmed by published functional studies and their clinical significance is uncertain. This variant has not been reported in the literature in individuals with MSH6-related conditions. This variant is not present in population databases (ExAC no frequency). This sequence change replaces tryptophan with cysteine at codon 912 of the MSH6 protein (p.Trp912Cys). The tryptophan residue is moderately conserved and there is a large physicochemical difference between tryptophan and cysteine.

NM_000179.3(MSH6):c.2736G>C (p.Trp912Cys)

Gene: MSH6 (mutS homolog 6; plus strand). Cytogenetic location: 2p16.3.
Variant type: single nucleotide variant.
Coding change: c.2736G>C on transcript NM_000179.3 (MANE Select); coding-DNA position 2736, G replaced by C.
Protein change: p.Trp912Cys; replaces tryptophan 912 with cysteine.
Molecular consequence: missense variant.
Genome position (GRCh38, 1-based): chr2:47,800,719, G>C. VCF-style: chr2-47800719-G-C. GRCh37 (hg19) VCF-style: chr2-48027858-G-C.
Other names: c.2346G>C, p.Trp782Cys (NM_001281492.2); c.1830G>C, p.Trp610Cys (NM_001281493.2, NM_001281494.2); short protein forms W610C, W912C, W782C.
Identifiers: ClinVar variation 940918 (VCV000940918.10), dbSNP rs1572728472, ClinGen allele CA346755384.